The following is an entry in ClinVar:

NM_000360.4(TH):c.517C>T (p.Leu173=)

Gene: TH (tyrosine hydroxylase; minus strand). Cytogenetic location: 11p15.5.
Variant type: single nucleotide variant.
Coding change: c.517C>T on transcript NM_000360.4 (MANE Select); coding-DNA position 517, C replaced by T.
Protein change: p.Leu173=; no amino-acid change (leucine 173 retained).
Molecular consequence: synonymous variant.
Genome position (GRCh38, 1-based): chr11:2,168,150, G>A on the plus strand (C>T on the coding strand, the complement: TH is on the minus strand). VCF-style: chr11-2168150-G-A. GRCh37 (hg19) VCF-style: chr11-2189380-G-A.
Other names: c.610C>T, p.Leu204= (NM_199292.3); c.598C>T, p.Leu200= (NM_199293.3).
Identifiers: ClinVar variation 3043960 (VCV003043960.2), dbSNP rs1468608879, ClinGen allele CA472035212.

ClinVar aggregate classification (germline): Likely benign (0 of 4 stars; one submission).

Conditions:
TH-related disorder. Also called: TH-related condition.

Submission:

PreventionGenetics, part of Exact Sciences
Classification: Likely benign for TH-related condition. Last evaluated: 2022-06-08. Review status: no assertion criteria provided. Collection method: clinical testing. Allele origin: germline.
Comment: This variant is classified as likely benign based on ACMG/AMP sequence variant interpretation guidelines (Richards et al. 2015 PMID: 25741868, with internal and published modifications).